The following is an entry in ClinVar:

NM_000836.4(GRIN2D):c.1919T>C (p.Val640Ala)

Genes: GRIN2D (glutamate ionotropic receptor NMDA type subunit 2D; plus strand), LOC130064857 (ATAC-STARR-seq lymphoblastoid active region 14894; plus strand). Cytogenetic location: 19q13.33.
Variant type: single nucleotide variant.
Coding change: c.1919T>C on transcript NM_000836.4 (MANE Select); coding-DNA position 1919, T replaced by C.
Protein change: p.Val640Ala; replaces valine 640 with alanine.
Molecular consequence: missense variant.
Genome position (GRCh38, 1-based): chr19:48,419,642, T>C. VCF-style: chr19-48419642-T-C. GRCh37 (hg19) VCF-style: chr19-48922899-T-C.
Other names: short protein forms V640A.
Identifiers: ClinVar variation 1470680 (VCV001470680.8), dbSNP rs1970993364, ClinGen allele CA406697859.

ClinVar aggregate classification (germline): Uncertain significance. Review status: criteria provided, multiple submitters, no conflicts (2 of 4 stars). 2 submissions from 2 submitters: Uncertain significance (2). Last evaluated 2022-07-25.

Allele frequency attached by ClinVar (database versions not stated): gnomAD exomes below 0.00001.
gnomAD v4.1: 1 of 1,613,292 alleles (0.000062%); highest among the groups gnomAD compares: South Asian, 0.0011%; no homozygotes.

Submissions (2):

Labcorp Genetics (formerly Invitae), Labcorp
Classification: Uncertain significance. Last evaluated: 2022-07-25. Review status: criteria provided, single submitter. Criteria: Invitae Variant Classification Sherloc (09022015). Collection method: clinical testing. Allele origin: germline.
Comment: In summary, the available evidence is currently insufficient to determine the role of this variant in disease. Therefore, it has been classified as a Variant of Uncertain Significance. Advanced modeling of protein sequence and biophysical properties (such as structural, functional, and spatial information, amino acid conservation, physicochemical variation, residue mobility, and thermodynamic stability) performed at Invitae indicates that this missense variant is expected to disrupt GRIN2D protein function. ClinVar contains an entry for this variant (Variation ID: 1470680). This variant has not been reported in the literature in individuals affected with GRIN2D-related conditions. This variant is not present in population databases (gnomAD no frequency). This sequence change replaces valine, which is neutral and non-polar, with alanine, which is neutral and non-polar, at codon 640 of the GRIN2D protein (p.Val640Ala).

GeneDx
Classification: Uncertain significance. Last evaluated: 2022-02-22. Review status: criteria provided, single submitter. Criteria: GeneDx Variant Classification Process June 2021. Collection method: clinical testing. Allele origin: germline. Affected: yes.
Comment: Not observed at significant frequency in large population cohorts (gnomAD); In silico analysis supports that this missense variant has a deleterious effect on protein structure/function; Has not been previously published as pathogenic or benign to our knowledge